The following is an entry in ClinVar:

NM_003836.7(DLK1):c.263-5C>T

Gene: DLK1 (delta like non-canonical Notch ligand 1; plus strand). Cytogenetic location: 14q32.2.
Variant type: single nucleotide variant.
Coding change: c.263-5C>T on transcript NM_003836.7 (MANE Select); 5 bases into the intron before coding-DNA position 263, C replaced by T.
Molecular consequence: intron variant.
Genome position (GRCh38, 1-based): chr14:100,732,037, C>T. VCF-style: chr14-100732037-C-T. GRCh37 (hg19) VCF-style: chr14-101198374-C-T.
Other names: c.263-5C>T (NM_001317172.2).
Identifiers: ClinVar variation 4821183 (VCV004821183.4).

ClinVar aggregate classification (germline): Likely benign (1 of 4 stars; one submission).

gnomAD v4.1: 1,002 of 1,610,318 alleles (0.062%); highest among the groups gnomAD compares: Non-Finnish European, 0.078%; no homozygotes.

Submission:

CeGaT Center for Human Genetics Tuebingen
Classification: Likely benign. Last evaluated: 2026-02-01. Review status: criteria provided, single submitter. Criteria: CeGaT Center For Human Genetics Tuebingen Variant Classification Criteria Version 2. Collection method: clinical testing. Allele origin: germline. Affected: yes. Observed: 1 variant allele.
Comment: DLK1: BP4, BS2